The following is an entry in ClinVar:

NM_007363.5(NONO):c.1341TGG[1] (p.Gly449del)

Gene: NONO (non-POU domain containing octamer binding; plus strand). Cytogenetic location: Xq13.1.
Variant type: Microsatellite.
Coding change: c.1341TGG[1] on transcript NM_007363.5 (MANE Select); one copy of the 3-base unit TGG starting at c.1341; the reference has two copies in a row; one copy, 3 bases deleted.
Protein change: p.Gly449del; deletes glycine 449.
Molecular consequence: inframe deletion.
Genome position (GRCh38, 1-based): chrX:71,300,004-71,300,006, TGG deleted; deleting any 3 consecutive bases within chrX:71,300,001-71,300,006 gives the same sequence; the position shown is the placement nearest the transcript's 3' end. VCF-style (leftmost placement, unchanged base first): chrX-71300000-TTGG-T. GRCh37 (hg19) VCF-style: chrX-70519850-TTGG-T.
Other names: c.1341TGG[1], p.Gly449del (NM_001145408.2, NM_001145409.2); c.1074TGG[1], p.Gly360del (NM_001145410.2); short protein forms G360del, G449del.
Identifiers: ClinVar variation 2001021 (VCV002001021.4), dbSNP rs1298017522, ClinGen allele CA877831843.

ClinVar aggregate classification (germline): Uncertain significance (1 of 4 stars; one submission).

Submission:

Labcorp Genetics (formerly Invitae), Labcorp
Classification: Uncertain significance. Last evaluated: 2024-09-10. Review status: criteria provided, single submitter. Criteria: Invitae Variant Classification Sherloc (09022015). Collection method: clinical testing. Allele origin: germline.
Comment: This variant, c.1344_1346del, results in the deletion of 1 amino acid(s) of the NONO protein (p.Gly449del), but otherwise preserves the integrity of the reading frame. This variant is not present in population databases (gnomAD no frequency). This variant has not been reported in the literature in individuals affected with NONO-related conditions. Experimental studies and prediction algorithms are not available or were not evaluated, and the functional significance of this variant is currently unknown. In summary, the available evidence is currently insufficient to determine the role of this variant in disease. Therefore, it has been classified as a Variant of Uncertain Significance.